The following is an entry in ClinVar:

NM_004960.4(FUS):c.493A>G (p.Ser165Gly)

Gene: FUS (FUS RNA binding protein; plus strand). Cytogenetic location: 16p11.2.
Variant type: single nucleotide variant.
Coding change: c.493A>G on transcript NM_004960.4 (MANE Select); coding-DNA position 493, A replaced by G.
Protein change: p.Ser165Gly; replaces serine 165 with glycine.
Molecular consequence: missense variant. On other transcripts: non-coding transcript variant (1).
Genome position (GRCh38, 1-based): chr16:31,184,366, A>G. VCF-style: chr16-31184366-A-G. GRCh37 (hg19) VCF-style: chr16-31195687-A-G.
Other names: c.490A>G, p.Ser164Gly (NM_001170634.1); c.493A>G, p.Ser165Gly (NM_001170937.1); short protein forms S164G, S165G.
Identifiers: ClinVar variation 1040027 (VCV001040027.9), dbSNP rs1325339011, ClinGen allele CA395669105.

ClinVar aggregate classification (germline): Uncertain significance (1 of 4 stars; one submission).

Conditions:
Amyotrophic lateral sclerosis type 6. Also called: FUS-Related Amyotrophic Laterial Sclerosis; AMYOTROPHIC LATERAL SCLEROSIS 6 WITHOUT FRONTOTEMPORAL DEMENTIA; Amyotrophic lateral sclerosis 6, with or without frontotemporal dementia. Identifiers: Orphanet 275872, Orphanet 803, MedGen C2931786, MONDO:0011951, OMIM 608030.
Tremor, hereditary essential, 4 (ETM4). Identifiers: MedGen C3539195, MONDO:0013888, OMIM 614782.

Allele frequency attached by ClinVar (database versions not stated): gnomAD exomes below 0.00001 and 0.00001; TOPMed 0.00002.
gnomAD v4.1: 17 of 1,612,920 alleles (0.0011%); highest among the groups gnomAD compares: Admixed American, 0.0017%; no homozygotes.

Submission:

Labcorp Genetics (formerly Invitae), Labcorp
Classification: Uncertain significance for Tremor, hereditary essential, 4; Amyotrophic lateral sclerosis type 6. Last evaluated: 2020-05-23. Review status: criteria provided, single submitter. Criteria: Invitae Variant Classification Sherloc (09022015). Collection method: clinical testing. Allele origin: germline.
Comment: This variant has not been reported in the literature in individuals with FUS-related conditions. In summary, the available evidence is currently insufficient to determine the role of this variant in disease. Therefore, it has been classified as a Variant of Uncertain Significance. Algorithms developed to predict the effect of missense changes on protein structure and function output the following: SIFT: "Tolerated"; PolyPhen-2: "Not Available"; Align-GVGD: "Class C0". The glycine amino acid residue is found in multiple mammalian species, suggesting that this missense change does not adversely affect protein function. These predictions have not been confirmed by published functional studies and their clinical significance is uncertain. This variant is not present in population databases (ExAC no frequency). This sequence change replaces serine with glycine at codon 165 of the FUS protein (p.Ser165Gly). The serine residue is moderately conserved and there is a small physicochemical difference between serine and glycine.